The following is an entry in ClinVar:

NM_000540.3(RYR1):c.10616G>A (p.Arg3539His)

Gene: RYR1 (ryanodine receptor 1; plus strand). Cytogenetic location: 19q13.2.
Variant type: single nucleotide variant.
Coding change: c.10616G>A on transcript NM_000540.3 (MANE Select); coding-DNA position 10616, G replaced by A.
Protein change: p.Arg3539His; replaces arginine 3539 with histidine.
Molecular consequence: missense variant.
Genome position (GRCh38, 1-based): chr19:38,525,492, G>A. VCF-style: chr19-38525492-G-A. GRCh37 (hg19) VCF-style: chr19-39016132-G-A.
Other names: p.R3539H:CGT>CAT; NM_000540.3(RYR1):c.10616G>A; c.10601G>A, p.Arg3534His (NM_001042723.2); short protein forms R3539H, R3534H.
Identifiers: ClinVar variation 132997 (VCV000132997.92), dbSNP rs143987857, ClinGen allele CA023847.

ClinVar aggregate classification (germline): Likely benign. Review status: reviewed by expert panel (3 of 4 stars). 29 submissions from 29 submitters: Likely benign (1). 28 of the submissions do not count toward it. Last evaluated 2021-11-10.

Conditions:
RYR1-related myopathy. Identifiers: Orphanet 98742, MedGen CN305348, MONDO:0100150.
RYR1-related disorder. Also called: RYR1-related disorders; RYR1-related condition. Identifiers: MedGen CN239331.
Malignant hyperthermia of anesthesia. Also called: Anesthesic-triggered malignant hyperthermia. Identifiers: Orphanet 423, MedGen C0024591, MONDO:0018493, HP:0034733.
Central core myopathy (CMYO1A). Also called: CONGENITAL MYOPATHY 1A, AUTOSOMAL DOMINANT, WITH SUSCEPTIBILITY TO MALIGNANT HYPERTHERMIA; Central core disease; Myopathy, central fibrillar. Identifiers: Orphanet 597, MedGen C5830701, MONDO:0007294, OMIM 117000.
Malignant hyperthermia, susceptibility to, 1 (MHS1). Also called: Malignant hyperthermia suceptibility 1; Anesthesia related hyperthermia; Malignant hyperpyrexia; Fulminating hyperpyrexia; Pharmacogenic myopathy; RYR1-Related Malignant Hyperthermia Susceptibility. Identifiers: Orphanet 423, MedGen C2930980, MONDO:0007783, OMIM 145600.

Allele frequency attached by ClinVar (database versions not stated): 1000 Genomes Project 30x 0.00047; 1000 Genomes Project 0.00060; TOPMed 0.00144; gnomAD exomes 0.00155 and 0.00225; gnomAD 0.00166 and 0.00171; ExAC 0.00179; ESP Exome Variant Server 0.00185.
gnomAD v4.1: 3,521 of 1,613,774 alleles (0.22%); highest among the groups gnomAD compares: Non-Finnish European, 0.28%; 7 homozygotes.

Submissions 1 to 14 of 29:

ClinGen Malignant Hyperthermia Susceptibility Variant Curation Expert Panel, ClinGen
Classification: Likely benign for Malignant hyperthermia of anesthesia. Last evaluated: 2021-11-10. Review status: reviewed by expert panel. Criteria: ClinGen MHS ACMG Specifications V1. Collection method: curation. Allele origin: germline. Inheritance: Autosomal dominant inheritance.
Comment: This pathogenicity assessment is relevant only for malignant hyperthermia susceptibility (MHS) inherited in an autosomal dominant pattern. Variants in RYR1 can also cause other myopathies inherited in an autosomal dominant pattern or in an autosomal recessive pattern. Some of these disorders may predispose individuals to malignant hyperthermia. RYR1 variants may also contribute to a malignant hyperthermia reaction in combination with other genetic and non-genetic factors and the clinician needs to consider such factors in making management decisions. This sequence variant predicts a substitution of arginine with histidine at codon 3539 of the RYR1 protein, p.(Arg3539His). The maximum allele frequency for this variant among the six major gnomAD populations is NFE: 0.00305, this is considered to be more common than expected for a pathogenic variant causing autosomal dominantly inherited MHS, BS1. This variant has been reported in 10 unrelated individuals who have a personal or family history of a malignant hyperthermia reaction, all of these individuals had a positive in vitro contracture test (IVCT) or caffeine halothane contracture test (CHCT) result (if the proband was unavailable for testing, a positive diagnostic test result in a mutation-positive relative was counted) (PMID:30236257; PMID:23460944; PMID:23558838; PMID:24433488; PMID:25960145), however, the high MAF in the NFE population precludes the use of PS4. This variant has been identified in multiple individuals with negative IVCT/CHCT results, BS2 (PMID:18253926, PMID:22473935). No functional studies were identified for this variant. This variant does not reside in a hotspot for pathogenic variants that contribute to MHS. A REVEL score >0.85 (0.877) supports a pathogenic status for this variant, PP3_Moderate. Based on using Bayes to combine criteria this variant is assessed as Likely Benign, (PMID: 29300386). Criteria implemented: PP3_Moderate, BS1, BS2.

PreventionGenetics, part of Exact Sciences
Classification: Likely benign for RYR1-related condition. Last evaluated: 2026-09-22. Review status: criteria provided, single submitter. Criteria: ACMG Guidelines, 2015. Collection method: clinical testing. Allele origin: germline. Not counted in ClinVar's aggregate classification.
Comment: This variant is classified as likely benign based on ACMG/AMP sequence variant interpretation guidelines (Richards et al. 2015 PMID: 25741868, with internal and published modifications).

CeGaT Center for Human Genetics Tuebingen
Classification: Benign. Last evaluated: 2026-09-01. Review status: criteria provided, single submitter. Criteria: CeGaT Center For Human Genetics Tuebingen Variant Classification Criteria Version 2. Collection method: clinical testing. Allele origin: germline. Affected: yes. Observed: 16 variant alleles. Not counted in ClinVar's aggregate classification.
Comment: RYR1: BS1, BS2

Labcorp Genetics (formerly Invitae), Labcorp
Classification: Likely benign for RYR1-related disorder. Last evaluated: 2026-01-28. Review status: criteria provided, single submitter. Criteria: Invitae Variant Classification Sherloc (09022015). Collection method: clinical testing. Allele origin: germline. Not counted in ClinVar's aggregate classification.

Athena Diagnostics
Classification: Uncertain significance. Last evaluated: 2025-09-25. Review status: criteria provided, single submitter. Criteria: Athena Diagnostics Criteria. Collection method: clinical testing. Allele origin: unknown. Not counted in ClinVar's aggregate classification.
Comment: Available data are insufficient to determine the clinical significance of the variant at this time. The frequency of this variant in the general population is higher than would generally be expected for pathogenic variants in this gene. This variant is not statistically more frequent in individuals with malignant hyperthermia (MH) than in the general population and/or healthy controls, however there is not enough available data to ascertain if this variant is more frequent in individuals with RYR1-related myopathies. This variant associates with RYR1-related myopathy in multiple families. Polyphen and MutationTaster yielded discordant predictions regarding whether this amino acid change is damaging to the protein.

Mayo Clinic Laboratories, Mayo Clinic
Classification: Uncertain significance. Last evaluated: 2025-09-09. Review status: criteria provided, single submitter. Criteria: ACMG Guidelines, 2015. Collection method: clinical testing. Allele origin: germline. Observed: 3 variant alleles. Not counted in ClinVar's aggregate classification.
Comment: BS2, PP3_moderate, PM3

ARUP Laboratories, Molecular Genetics and Genomics, ARUP Laboratories
Classification: Likely benign. Last evaluated: 2025-06-27. Review status: criteria provided, single submitter. Criteria: ARUP Molecular Germline Variant Investigation Process 2024. Collection method: clinical testing. Allele origin: germline. Not counted in ClinVar's aggregate classification.

Blueprint Genetics
Classification: Uncertain significance. Last evaluated: 2024-11-13. Review status: criteria provided, single submitter. Criteria: ACMG Guidelines, 2015. Collection method: clinical testing. Allele origin: germline. Not counted in ClinVar's aggregate classification.

All of Us Research Program, National Institutes of Health
Classification: Likely benign for Malignant hyperthermia, susceptibility to, 1. Last evaluated: 2024-09-27. Review status: criteria provided, single submitter. Criteria: ACMG Guidelines, 2015. Collection method: clinical testing. Allele origin: germline. Inheritance: Autosomal dominant inheritance. Observed: 601 variant alleles, 601 heterozygotes. Not counted in ClinVar's aggregate classification.
Comment: This study involves interpretation of variants in research participants for the purpose of population health screening. Participant phenotype was not available at the time of variant classification. Additional details can be found in publication PMID: 35346344, PMCID: PMC8962531

Revvity Omics, Revvity
Classification: Likely benign. Last evaluated: 2024-09-20. Review status: criteria provided, single submitter. Criteria: ACMG Guidelines, 2015. Collection method: clinical testing. Allele origin: germline. Not counted in ClinVar's aggregate classification.

Color Diagnostics, LLC DBA Color Health
Classification: Likely benign for Malignant hyperthermia, susceptibility to, 1. Last evaluated: 2022-08-18. Review status: criteria provided, single submitter. Criteria: ACMG Guidelines, 2015. Collection method: clinical testing. Allele origin: germline. Not counted in ClinVar's aggregate classification.

Women's Health and Genetics/Laboratory Corporation of America, LabCorp
Classification: Likely benign. Last evaluated: 2022-01-07. Review status: criteria provided, single submitter. Criteria: LabCorp Variant Classification Summary - May 2015. Collection method: clinical testing. Allele origin: germline. Not counted in ClinVar's aggregate classification.

GeneDx
Classification: Likely benign. Last evaluated: 2021-08-16. Review status: criteria provided, single submitter. Criteria: GeneDx Variant Classification Process June 2021. Collection method: clinical testing. Allele origin: germline. Affected: yes. Not counted in ClinVar's aggregate classification.
Comment: See Variant Classification Assertion Criteria.

Victorian Clinical Genetics Services, Murdoch Childrens Research Institute
Classification: Uncertain significance for RYR1-related myopathy. Last evaluated: 2020-05-21. Review status: criteria provided, single submitter. Criteria: ACMG Guidelines, 2015. Collection method: clinical testing. Allele origin: germline. Affected: yes. Not counted in ClinVar's aggregate classification.
Comment: A heterozygous missense variant was identified, NM_000540.2(RYR1):c.10616G>A in exon 71 of 106 of the RYR1 gene. This substitution is predicted to create a minor amino acid change from arginine to histidine at position 3539 of the protein, NP_000531.2(RYR1):p.(Arg3539His). The arginine at this position has very high conservation (100 vertebrates, UCSC), but is not situated in a known functional domain (PDB, NCBI). In silico software predicts this variant to be damaging (PolyPhen, SIFT, CADD, MutationTaster). The variant is present in the gnomAD population database at a global allele frequency of 0.164% (462 heterozygotes; 1 homozygote), and is enriched in the European (non-Finnish) population at a frequency of 0.3%. An alternative change to cysteine at the same residue has also been reported in the gnomAD database at a frequency of 0.0008%. Previous reports of the pathogenicity of this variant are conflicting (ClinVar, Monnier, N. et al. (2008), Voermans, N. et al. (2013), Snoeck, M. et al. (2015), Knuiman, G. et al. (2019)). Based on information available at the time of curation, this variant has been classified as a VARIANT of UNCERTAIN SIGNIFICANCE (VUS).